The following is an entry in ClinVar:

NM_021927.3(GUF1):c.815A>C (p.Asn272Thr)

Gene: GUF1 (GTP binding elongation factor GUF1; plus strand). Cytogenetic location: 4p12.
Variant type: single nucleotide variant.
Coding change: c.815A>C on transcript NM_021927.3 (MANE Select); coding-DNA position 815, A replaced by C.
Protein change: p.Asn272Thr; replaces asparagine 272 with threonine.
Molecular consequence: missense variant. On other transcripts: 5 prime UTR variant (2).
Genome position (GRCh38, 1-based): chr4:44,686,590, A>C. VCF-style: chr4-44686590-A-C. GRCh37 (hg19) VCF-style: chr4-44688607-A-C.
Other names: c.-158A>C (NM_001345867.2, NM_001345869.2); c.815A>C, p.Asn272Thr (NM_001345868.2); short protein forms N272T.
Identifiers: ClinVar variation 2176168 (VCV002176168.4), dbSNP rs1403202119, ClinGen allele CA356762400.
Genomic context (GRCh38, chr4:44,686,590, plus strand): 5'-ATCCTCTGAGAGCTTTGGTATTTGACTCCACCTTTGACCAGTATAGAGGTGTGATAGCCA[A>C]TGTAGCATTATTTGACGGAGTGGTTTCCAAAGGAGATAAAATTGTATCTGCACATACTCA-3'
Protein context (NP_068746.2, residues 262-282): TFDQYRGVIA[Asn272Thr]VALFDGVVSK

ClinVar aggregate classification (germline): Uncertain significance (1 of 4 stars; one submission).

Submission:

Labcorp Genetics (formerly Invitae), Labcorp
Classification: Uncertain significance. Last evaluated: 2022-02-14. Review status: criteria provided, single submitter. Criteria: Invitae Variant Classification Sherloc (09022015). Collection method: clinical testing. Allele origin: germline.
Comment: This variant is present in population databases (no rsID available, gnomAD 0.0009%). This sequence change replaces asparagine, which is neutral and polar, with threonine, which is neutral and polar, at codon 272 of the GUF1 protein (p.Asn272Thr). In summary, the available evidence is currently insufficient to determine the role of this variant in disease. Therefore, it has been classified as a Variant of Uncertain Significance. Algorithms developed to predict the effect of missense changes on protein structure and function are either unavailable or do not agree on the potential impact of this missense change (SIFT: "Tolerated"; PolyPhen-2: "Possibly Damaging"; Align-GVGD: "Class C0"). This variant has not been reported in the literature in individuals affected with GUF1-related conditions.